The following is an entry in ClinVar:

ClinVar aggregate classification (germline): Uncertain significance. Review status: criteria provided, multiple submitters, no conflicts (2 of 4 stars). 2 submissions from 2 submitters: Uncertain significance (2). Last evaluated 2024-12-27.

Conditions:
Hereditary cancer-predisposing syndrome. Also called: Hereditary neoplastic syndrome; Tumor predisposition; Hereditary Cancer Syndrome; Neoplastic Syndromes, Hereditary. Identifiers: Orphanet 140162, MedGen C0027672, MeSH D009386, MONDO:0015356.

Submissions (2):

Women's Health and Genetics/Laboratory Corporation of America, LabCorp
Classification: Uncertain significance. Last evaluated: 2024-12-27. Review status: criteria provided, single submitter. Criteria: LabCorp Variant Classification Summary - May 2015. Collection method: clinical testing. Allele origin: germline.
Comment: Variant summary: BARD1 c.1134_1136delinsCAC (p.Arg378_Lys379delinsSerThr) results in an in-frame deletion-insertion that is predicted to substitute two amino acids in the protein. The variant allele was found at a frequency of 1.2e-06 in 1614092 control chromosomes. The available data on variant occurrences in the general population are insufficient to allow any conclusion about variant significance. To our knowledge, no occurrence of c.1134_1136delinsCAC in individuals affected with Hereditary Breast And Ovarian Cancer Syndrome and no experimental evidence demonstrating its impact on protein function have been reported. ClinVar contains an entry for this variant (Variation ID: 2585696). Based on the evidence outlined above, the variant was classified as uncertain significance.

Ambry Genetics
Classification: Uncertain significance for Hereditary cancer-predisposing syndrome. Last evaluated: 2023-06-27. Review status: criteria provided, single submitter. Criteria: Ambry Variant Classification Scheme 2023. Collection method: clinical testing. Allele origin: germline.
Comment: The c.1134_1136delGAAinsCAC variant (also known as p.R378_K379delinsST), located in coding exon 4 of the BARD1 gene, results from an in-frame deletion of GAA and insertion of CAC at nucleotide positions 1134 to 1136. This results in the substitution of arginine and lysine residues for serine and threonine residues at codons 378 and 379, respectively. This amino acid region is not well conserved in available vertebrate species. In addition, this alteration is predicted to be neutral by in silico analysis (Choi Y et al. PLoS ONE. 2012; 7(10):e46688). Since supporting evidence is limited at this time, the clinical significance of this alteration remains unclear.

NM_000465.4(BARD1):c.1134_1136delinsCAC (p.Arg378_Lys379delinsSerThr)

Gene: BARD1 (BRCA1 associated RING domain 1; minus strand). Cytogenetic location: 2q35.
Variant type: Indel.
Coding change: c.1134_1136delinsCAC on transcript NM_000465.4 (MANE Select); coding-DNA positions 1134 to 1136, GAA replaced by CAC.
Protein change: p.Arg378_Lys379delinsSerThr.
Molecular consequence: missense variant. On other transcripts: non-coding transcript variant (2), intron variant (3).
Genome position (GRCh38, 1-based): chr2:214,780,738-214,780,740, TTC replaced by GTG on the plus strand (GAA replaced by CAC on the coding strand, the reverse complement: BARD1 is on the minus strand). VCF-style: chr2-214780738-TTC-GTG. GRCh37 (hg19) VCF-style: chr2-215645462-TTC-GTG.
Other names: c.1077_1079delinsCAC, p.Arg359_Lys360delinsSerThr (NM_001282543.2); c.159-28185_159-28183delinsCAC (NM_001282548.2); c.215+16321_215+16323delinsCAC (NM_001282545.2); c.364+11557_364+11559delinsCAC (NM_001282549.2).
Identifiers: ClinVar variation 2585696 (VCV002585696.3), dbSNP rs2469503229, ClinGen allele CA913188003.